The following is an entry in ClinVar:

ClinVar aggregate classification (germline): Benign (1 of 4 stars; one submission).

Allele frequency attached by ClinVar (database versions not stated): gnomAD 0.26870; 1000 Genomes Project 0.27456; 1000 Genomes Project 30x 0.28139; TOPMed 0.28143.
gnomAD v4.1: 41,301 of 152,082 alleles (27%); highest among the groups gnomAD compares: African/African-American, 40%; 6,159 homozygotes.

Submission:

GeneDx
Classification: Benign. Last evaluated: 2018-06-19. Review status: criteria provided, single submitter. Criteria: GeneDx Variant Classification (06012015). Collection method: clinical testing. Allele origin: germline. Affected: yes.
Comment: This variant is considered likely benign or benign based on one or more of the following criteria: it is a conservative change, it occurs at a poorly conserved position in the protein, it is predicted to be benign by multiple in silico algorithms, and/or has population frequency not consistent with disease.

NM_153717.3(EVC):c.1465-285A>G

Gene: EVC (EvC ciliary complex subunit 1; plus strand). Cytogenetic location: 4p16.2.
Variant type: single nucleotide variant.
Coding change: c.1465-285A>G on transcript NM_153717.3 (MANE Select); 285 bases into the intron before coding-DNA position 1465, A replaced by G.
Molecular consequence: intron variant.
Genome position (GRCh38, 1-based): chr4:5,755,979, A>G. VCF-style: chr4-5755979-A-G. GRCh37 (hg19) VCF-style: chr4-5757706-A-G.
Other names: c.1465-285A>G (NM_001306090.2, NM_001306092.2).
Identifiers: ClinVar variation 667839 (VCV000667839.1), dbSNP rs12499446, ClinGen allele CA11634281.